The following is an entry in ClinVar:

NM_000350.3(ABCA4):c.1856_1858del (p.Ile619del)

Gene: ABCA4 (ATP binding cassette subfamily A member 4; minus strand). Cytogenetic location: 1p22.1.
Variant type: Deletion.
Coding change: c.1856_1858del on transcript NM_000350.3 (MANE Select); coding-DNA positions 1856 to 1858, 3 bases deleted (TCA; older notation c.1856_1858delTCA).
Protein change: p.Ile619del; deletes isoleucine 619.
Molecular consequence: inframe deletion.
Genome position (GRCh38, 1-based): chr1:94,062,656-94,062,658, TGA deleted on the plus strand (TCA on the coding strand, the reverse complement: ABCA4 is on the minus strand); deleting any 3 consecutive bases within chr1:94,062,656-94,062,659 gives the same sequence; the c. name uses the placement nearest the transcript's 3' end. VCF-style (leftmost placement, unchanged base first): chr1-94062655-GTGA-G. GRCh37 (hg19) VCF-style: chr1-94528211-GTGA-G.
Other names: c.1856_1858del, p.Ile619del (NM_001425324.1); short protein forms I619del.
Identifiers: ClinVar variation 4884497 (VCV004884497.2).

ClinVar aggregate classification (germline): Likely pathogenic (1 of 4 stars; one submission).

Conditions:
Severe early-childhood-onset retinal dystrophy (STGD1). Also called: MACULAR DYSTROPHY WITH FLECKS, TYPE 1; STGD; Stargardt macular dystrophy; Juvenile onset macular degeneration; Stargardt disease 1. Identifiers: Orphanet 364055, Orphanet 827, MedGen C1855465, MeSH D000080362, MONDO:0009549, OMIM 248200.

Submission:

Diagnostics Services (NGS), CSIR - Centre For Cellular And Molecular Biology
Classification: Likely pathogenic for Severe early-childhood-onset retinal dystrophy. Last evaluated: 2026-07-20. Review status: criteria provided, single submitter. Criteria: ACMG Guidelines, 2015. Collection method: clinical testing. Allele origin: germline. Inheritance: Autosomal recessive inheritance. Affected: yes. Observed: 1 variant allele, 1 heterozygote.
Comment: The c.1856_1858del variant is not present in 1000 Genome, gnomAD, EVS, Indian Exome Database or in our internal database. This variant has neither been published in the literature for ABCA4-related conditions nor reported to clinical databases HGMD, OMIM, or ClinVar databases in any affected individuals. In-silico pathogenicity prediction programs like MutationTaster2021, CADD, Varsome etc., predicted this variant to be likely deleterious, however these predictions were not confirmed by published functional studies. This variant is present in a mutational hotspot and non-repeat region of the gene which causes in-frame deletion of a single amino acid that changes the protein length.